The following is an entry in ClinVar:

NM_006947.4(SRP72):c.467C>G (p.Ala156Gly)

Gene: SRP72 (signal recognition particle 72; plus strand). Cytogenetic location: 4q12.
Variant type: single nucleotide variant.
Coding change: c.467C>G on transcript NM_006947.4 (MANE Select); coding-DNA position 467, C replaced by G.
Protein change: p.Ala156Gly; replaces alanine 156 with glycine.
Molecular consequence: missense variant. On other transcripts: non-coding transcript variant (1).
Genome position (GRCh38, 1-based): chr4:56,474,166, C>G. VCF-style: chr4-56474166-C-G. GRCh37 (hg19) VCF-style: chr4-57340332-C-G.
Other names: c.467C>G (NM_006947.3); c.467C>G, p.Ala156Gly (NM_001267722.2); short protein forms A156G.
Identifiers: ClinVar variation 2800428 (VCV002800428.4), dbSNP rs765608871, ClinGen allele CA356996550.

ClinVar aggregate classification (germline): Uncertain significance. Review status: criteria provided, multiple submitters, no conflicts (2 of 4 stars). 2 submissions from 2 submitters: Uncertain significance (2). Last evaluated 2025-01-05.

gnomAD v4.1: 2 of 1,614,190 alleles (0.00012%); highest among the groups gnomAD compares: Non-Finnish European, 0.00017%; no homozygotes.

Submissions (2):

Ambry Genetics
Classification: Uncertain significance. Last evaluated: 2025-01-05. Review status: criteria provided, single submitter. Criteria: Ambry Variant Classification Scheme 2023. Collection method: clinical testing. Allele origin: germline.
Comment: The p.A156G variant (also known as c.467C>G), located in coding exon 4 of the SRP72 gene, results from a C to G substitution at nucleotide position 467. The alanine at codon 156 is replaced by glycine, an amino acid with similar properties. This amino acid position is conserved. In addition, the in silico prediction for this alteration is inconclusive. Based on the available evidence, the clinical significance of this variant remains unclear.

Labcorp Genetics (formerly Invitae), Labcorp
Classification: Uncertain significance. Last evaluated: 2023-08-31. Review status: criteria provided, single submitter. Criteria: Invitae Variant Classification Sherloc (09022015). Collection method: clinical testing. Allele origin: germline.
Comment: In summary, the available evidence is currently insufficient to determine the role of this variant in disease. Therefore, it has been classified as a Variant of Uncertain Significance. Advanced modeling of protein sequence and biophysical properties (such as structural, functional, and spatial information, amino acid conservation, physicochemical variation, residue mobility, and thermodynamic stability) performed at Invitae indicates that this missense variant is expected to disrupt SRP72 protein function. This variant has not been reported in the literature in individuals affected with SRP72-related conditions. This variant is not present in population databases (gnomAD no frequency). This sequence change replaces alanine, which is neutral and non-polar, with glycine, which is neutral and non-polar, at codon 156 of the SRP72 protein (p.Ala156Gly).